The following is an entry in ClinVar:

ClinVar aggregate classification (germline): Pathogenic (1 of 4 stars; one submission).

Submission:

Labcorp Genetics (formerly Invitae), Labcorp
Classification: Pathogenic. Last evaluated: 2023-08-11. Review status: criteria provided, single submitter. Criteria: Invitae Variant Classification Sherloc (09022015). Collection method: clinical testing. Allele origin: germline.
Comment: This sequence change creates a premature translational stop signal (p.Met2630Asnfs*6) in the KMT2B gene. While this is not anticipated to result in nonsense mediated decay, it is expected to disrupt the last 86 amino acid(s) of the KMT2B protein. This variant is not present in population databases (gnomAD no frequency). This variant has not been reported in the literature in individuals affected with KMT2B-related conditions. This variant disrupts a region of the KMT2B protein in which other variant(s) (p.Arg2649Cys) have been determined to be pathogenic (PMID: 33150406; Invitae). This suggests that this is a clinically significant region of the protein, and that variants that disrupt it are likely to be disease-causing. For these reasons, this variant has been classified as Pathogenic.

Literature cited by the submitters: PubMed 33150406.

NM_014727.3(KMT2B):c.7888dup (p.Met2630fs)

Gene: KMT2B (lysine methyltransferase 2B; plus strand). Cytogenetic location: 19q13.12.
Variant type: Duplication.
Coding change: c.7888dup on transcript NM_014727.3 (MANE Select); coding-DNA position 7888, one base duplicated (A; older notation c.7888dupA).
Protein change: p.Met2630fs; shifts the reading frame from methionine 2630.
Molecular consequence: frameshift variant.
Genome position (GRCh38, 1-based): chr19:35,738,297, A duplicated. VCF-style (leftmost placement, unchanged base first): chr19-35738296-T-TA. GRCh37 (hg19) VCF-style: chr19-36229197-T-TA.
Other names: short protein forms M2630fs.
Identifiers: ClinVar variation 2969293 (VCV002969293.3), dbSNP rs2513370236, ClinGen allele CA2740096870.